The following is an entry in ClinVar:

ClinVar aggregate classification (germline): Pathogenic (1 of 4 stars; one submission).

Conditions:
Multiple congenital exostosis (EXT). Also called: Multiple exostoses; Hereditary multiple exostoses; Hereditary multiple exostosis; MULTIPLE CARTILAGINOUS EXOSTOSES; Hereditary multiple osteochondromas; Multiple osteochondromas. Identifiers: Orphanet 321, MedGen C0015306, MONDO:0005508, HP:0002762.

Submission:

Labcorp Genetics (formerly Invitae), Labcorp
Classification: Pathogenic for Multiple congenital exostosis. Last evaluated: 2017-12-04. Review status: criteria provided, single submitter. Criteria: Invitae Variant Classification Sherloc (09022015). Collection method: clinical testing. Allele origin: germline.
Comment: This variant has not been reported in the literature in individuals with EXT1-related disease. This variant is not present in population databases (ExAC no frequency). This sequence change creates a premature translational stop signal (p.Leu283Tyrfs*76) in the EXT1 gene. It is expected to result in an absent or disrupted protein product. For these reasons, this variant has been classified as Pathogenic. Loss-of-function variants in EXT1 are known to be pathogenic (PMID: 10679937, 11391482, 19810120).

Literature cited by the submitters: PubMed 10679937; PubMed 11391482; PubMed 19810120.

NM_000127.3(EXT1):c.846del (p.Leu283fs)

Gene: EXT1 (exostosin glycosyltransferase 1; minus strand). Cytogenetic location: 8q24.11.
Variant type: Deletion.
Coding change: c.846del on transcript NM_000127.3 (MANE Select); coding-DNA position 846, one base deleted (C; older notation c.846delC).
Protein change: p.Leu283fs; shifts the reading frame from leucine 283.
Molecular consequence: frameshift variant.
Genome position (GRCh38, 1-based): chr8:118,110,201, G deleted on the plus strand (C on the coding strand, the reverse complement: EXT1 is on the minus strand); the first of 2 consecutive G bases (chr8:118,110,201-118,110,202); deleting either gives the same sequence. VCF-style (leftmost placement, unchanged base first): chr8-118110200-AG-A. GRCh37 (hg19) VCF-style: chr8-119122439-AG-A.
Other names: c.846delC (NM_000127.2); short protein forms L283fs.
Identifiers: ClinVar variation 526306 (VCV000526306.6), dbSNP rs1554601481, ClinGen allele CA658797139.